The following is an entry in ClinVar:

ClinVar aggregate classification (germline): Likely benign. Review status: criteria provided, multiple submitters, no conflicts (2 of 4 stars). 3 submissions from 3 submitters: Likely benign (3). Last evaluated 2026-08-01.

Conditions:
Malignant hyperthermia, susceptibility to, 1 (MHS1). Also called: Malignant hyperthermia suceptibility 1; RYR1-Related Malignant Hyperthermia Susceptibility; Anesthesia related hyperthermia; Malignant hyperpyrexia; Fulminating hyperpyrexia; Pharmacogenic myopathy. Identifiers: Orphanet 423, MedGen C2930980, MONDO:0007783, OMIM 145600.
RYR1-related disorder. Also called: RYR1-related disorders; RYR1-related condition. Identifiers: MedGen CN239331.

Allele frequency attached by ClinVar (database versions not stated): TOPMed 0.00006; gnomAD 0.00007; ESP Exome Variant Server 0.00015.
gnomAD v4.1: 59 of 1,614,012 alleles (0.0037%); highest among the groups gnomAD compares: Non-Finnish European, 0.004%; no homozygotes.

Submissions (3):

CeGaT Center for Human Genetics Tuebingen
Classification: Likely benign. Last evaluated: 2026-08-01. Review status: criteria provided, single submitter. Criteria: CeGaT Center For Human Genetics Tuebingen Variant Classification Criteria Version 2. Collection method: clinical testing. Allele origin: germline. Affected: yes. Observed: 4 variant alleles.
Comment: RYR1: BP4, BP7

Labcorp Genetics (formerly Invitae), Labcorp
Classification: Likely benign for RYR1-related disorder. Last evaluated: 2026-02-03. Review status: criteria provided, single submitter. Criteria: Invitae Variant Classification Sherloc (09022015). Collection method: clinical testing. Allele origin: germline.

Color Diagnostics, LLC DBA Color Health
Classification: Likely benign for Malignant hyperthermia, susceptibility to, 1. Last evaluated: 2022-11-06. Review status: criteria provided, single submitter. Criteria: ACMG Guidelines, 2015. Collection method: clinical testing. Allele origin: germline.

NM_000540.3(RYR1):c.1800C>T (p.Asp600=)

Gene: RYR1 (ryanodine receptor 1; plus strand). Cytogenetic location: 19q13.2.
Variant type: single nucleotide variant.
Coding change: c.1800C>T on transcript NM_000540.3 (MANE Select); coding-DNA position 1800, C replaced by T.
Protein change: p.Asp600=; no amino-acid change (aspartic acid 600 retained).
Molecular consequence: synonymous variant.
Genome position (GRCh38, 1-based): chr19:38,457,505, C>T. VCF-style: chr19-38457505-C-T. GRCh37 (hg19) VCF-style: chr19-38948145-C-T.
Other names: c.1800C>T, p.Asp600= (NM_001042723.2).
Identifiers: ClinVar variation 697369 (VCV000697369.40), dbSNP rs374489703, ClinGen allele CA062444.